The following is an entry in ClinVar:

NM_003672.4(CDC14A):c.848G>C (p.Gly283Ala)

Gene: CDC14A (cell division cycle 14A; plus strand). Cytogenetic location: 1p21.2.
Variant type: single nucleotide variant.
Coding change: c.848G>C on transcript NM_003672.4 (MANE Select); coding-DNA position 848, G replaced by C.
Protein change: p.Gly283Ala; replaces glycine 283 with alanine.
Molecular consequence: missense variant. On other transcripts: 5 prime UTR variant (1).
Genome position (GRCh38, 1-based): chr1:100,467,965, G>C. VCF-style: chr1-100467965-G-C. GRCh37 (hg19) VCF-style: chr1-100933521-G-C.
Other names: c.848G>C, p.Gly283Ala (NM_001319210.2, NM_033312.3, NM_033313.3); c.674G>C, p.Gly225Ala (NM_001319211.2); c.-32G>C (NM_001319212.2); c.848G>C (NM_033312.2); short protein forms G283A, G225A.
Identifiers: ClinVar variation 1903287 (VCV001903287.6), dbSNP rs777595087, ClinGen allele CA970720.
Genomic context (GRCh38, chr1:100,467,965, plus strand): 5'-GGTAGCATTTGCTAGACTTTATATTTCTTATTCTGTTTCATTCTCTTACAGCTGGTCTTG[G>C]AAGAACAGGGACATTGATAGCCTGTTATGTAATGAAACACTACAGGTTTACACATGCTGA-3'
Protein context (NP_003663.2, residues 273-293): AIAVHCKAGL[Gly283Ala]RTGTLIACYV

ClinVar aggregate classification (germline): Uncertain significance. Review status: criteria provided, multiple submitters, no conflicts (2 of 4 stars). 2 submissions from 2 submitters: Uncertain significance (2). Last evaluated 2025-06-18.

Conditions:
Inborn genetic diseases. Identifiers: MedGen C0950123, MeSH D030342.

Allele frequency attached by ClinVar (database versions not stated): gnomAD exomes 0.00001; ExAC 0.00002; TOPMed 0.00003; gnomAD 0.00005.
gnomAD v4.1: 25 of 1,591,644 alleles (0.0016%); highest among the groups gnomAD compares: Non-Finnish European, 0.0015%; no homozygotes.

Submissions (2):

Ambry Genetics
Classification: Uncertain significance for Inborn genetic diseases. Last evaluated: 2025-06-18. Review status: criteria provided, single submitter. Criteria: Ambry Variant Classification Scheme 2023. Collection method: clinical testing. Allele origin: germline.

Labcorp Genetics (formerly Invitae), Labcorp
Classification: Uncertain significance. Last evaluated: 2023-08-10. Review status: criteria provided, single submitter. Criteria: Invitae Variant Classification Sherloc (09022015). Collection method: clinical testing. Allele origin: germline.
Comment: In summary, the available evidence is currently insufficient to determine the role of this variant in disease. Therefore, it has been classified as a Variant of Uncertain Significance. Advanced modeling of protein sequence and biophysical properties (such as structural, functional, and spatial information, amino acid conservation, physicochemical variation, residue mobility, and thermodynamic stability) performed at Invitae indicates that this missense variant is expected to disrupt CDC14A protein function. ClinVar contains an entry for this variant (Variation ID: 1903287). This variant has not been reported in the literature in individuals affected with CDC14A-related conditions. This variant is present in population databases (rs777595087, gnomAD 0.01%). This sequence change replaces glycine, which is neutral and non-polar, with alanine, which is neutral and non-polar, at codon 283 of the CDC14A protein (p.Gly283Ala).